The following is an entry in ClinVar:

NM_153460.4(IL17RC):c.1067T>C (p.Leu356Pro)

Gene: IL17RC (interleukin 17 receptor C; plus strand). Cytogenetic location: 3p25.3.
Variant type: single nucleotide variant.
Coding change: c.1067T>C on transcript NM_153460.4 (MANE Select); coding-DNA position 1067, T replaced by C.
Protein change: p.Leu356Pro; replaces leucine 356 with proline.
Molecular consequence: missense variant. On other transcripts: non-coding transcript variant (1), intron variant (2).
Genome position (GRCh38, 1-based): chr3:9,928,587, T>C. VCF-style: chr3-9928587-T-C. GRCh37 (hg19) VCF-style: chr3-9970271-T-C.
Other names: c.1067T>C, p.Leu356Pro (NM_001203263.2); c.1028T>C, p.Leu343Pro (NM_001367278.1); c.947T>C, p.Leu316Pro (NM_001367279.1); c.1022T>C, p.Leu341Pro (NM_001367280.1, NM_032732.6); c.1280T>C, p.Leu427Pro (NM_153461.4); c.1059+101T>C (NM_001203264.2); c.1014+101T>C (NM_001203265.2); short protein forms L341P, L343P, L427P, L316P, L356P.
Identifiers: ClinVar variation 1359226 (VCV001359226.8), dbSNP rs200869244, ClinGen allele CA351762315.

ClinVar aggregate classification (germline): Uncertain significance (1 of 4 stars; one submission).

Conditions:
Candidiasis, familial, 9 (CANDF9). Identifiers: Orphanet 1334, MedGen C4225324, MONDO:0014642, OMIM 616445.

Submission:

Labcorp Genetics (formerly Invitae), Labcorp
Classification: Uncertain significance for Candidiasis, familial, 9. Last evaluated: 2021-06-05. Review status: criteria provided, single submitter. Criteria: Invitae Variant Classification Sherloc (09022015). Collection method: clinical testing. Allele origin: germline.
Comment: This sequence change replaces leucine with proline at codon 427 of the IL17RC protein (p.Leu427Pro). The leucine residue is weakly conserved and there is a moderate physicochemical difference between leucine and proline. This variant is not present in population databases (ExAC no frequency). This variant has not been reported in the literature in individuals with IL17RC-related conditions. Algorithms developed to predict the effect of missense changes on protein structure and function are either unavailable or do not agree on the potential impact of this missense change (SIFT: "Deleterious"; PolyPhen-2: "Benign"; Align-GVGD: "Class C0"). In summary, the available evidence is currently insufficient to determine the role of this variant in disease. Therefore, it has been classified as a Variant of Uncertain Significance.